The following is an entry in ClinVar:

NM_001104631.2(PDE4D):c.1279A>G (p.Ile427Val)

Gene: PDE4D (phosphodiesterase 4D; minus strand). Cytogenetic location: 5q11.2.
Variant type: single nucleotide variant.
Coding change: c.1279A>G on transcript NM_001104631.2 (MANE Select); coding-DNA position 1279, A replaced by G.
Protein change: p.Ile427Val; replaces isoleucine 427 with valine.
Molecular consequence: missense variant.
Genome position (GRCh38, 1-based): chr5:58,990,812, T>C on the plus strand (A>G on the coding strand, the complement: PDE4D is on the minus strand). VCF-style: chr5-58990812-T-C. GRCh37 (hg19) VCF-style: chr5-58286639-T-C.
Other names: c.1096A>G, p.Ile366Val (NM_001165899.2, NM_001364599.1); c.1087A>G, p.Ile363Val (NM_001197218.2); c.913A>G, p.Ile305Val (NM_001197219.2); c.889A>G, p.Ile297Val (NM_001197220.2); c.373A>G, p.Ile125Val (NM_001197221.2, NM_001364603.1); c.607A>G, p.Ile203Val (NM_001197222.2); c.406A>G, p.Ile136Val (NM_001197223.2); c.1066A>G, p.Ile356Val (NM_001349241.2); and 3 more; short protein forms I203V, I317V, I356V, I125V, I305V, I427V, I136V, I291V.
Identifiers: ClinVar variation 2273379 (VCV002273379.3), dbSNP rs2479424808, ClinGen allele CA359817337.

ClinVar aggregate classification (germline): Uncertain significance. Review status: criteria provided, multiple submitters, no conflicts (2 of 4 stars). 2 submissions from 2 submitters: Uncertain significance (2). Last evaluated 2025-09-04.

Conditions:
Inborn genetic diseases. Identifiers: MedGen C0950123, MeSH D030342.

Allele frequency attached by ClinVar (database versions not stated): gnomAD exomes 0.00001.
gnomAD v4.1: 7 of 1,563,496 alleles (0.00045%); highest among the groups gnomAD compares: Non-Finnish European, 0.00061%; no homozygotes.

Submissions (2):

Labcorp Genetics (formerly Invitae), Labcorp
Classification: Uncertain significance. Last evaluated: 2025-09-04. Review status: criteria provided, single submitter. Criteria: Invitae Variant Classification Sherloc (09022015). Collection method: clinical testing. Allele origin: germline.
Comment: This sequence change replaces isoleucine, which is neutral and non-polar, with valine, which is neutral and non-polar, at codon 427 of the PDE4D protein (p.Ile427Val). This variant is not present in population databases (gnomAD no frequency). This variant has not been reported in the literature in individuals affected with PDE4D-related conditions. ClinVar contains an entry for this variant (Variation ID: 2273379). Invitae Evidence Modeling of protein sequence and biophysical properties (such as structural, functional, and spatial information, amino acid conservation, physicochemical variation, residue mobility, and thermodynamic stability) indicates that this missense variant is not expected to disrupt PDE4D protein function with a negative predictive value of 80%. In summary, the available evidence is currently insufficient to determine the role of this variant in disease. Therefore, it has been classified as a Variant of Uncertain Significance.

Ambry Genetics
Classification: Uncertain significance for Inborn genetic diseases. Last evaluated: 2022-01-26. Review status: criteria provided, single submitter. Criteria: Ambry Variant Classification Scheme 2023. Collection method: clinical testing. Allele origin: germline.